The following is an entry in ClinVar:

ClinVar aggregate classification (germline): Likely benign (1 of 4 stars; one submission).

Submission:

GeneDx
Classification: Likely benign. Last evaluated: 2018-06-17. Review status: criteria provided, single submitter. Criteria: GeneDx Variant Classification (06012015). Collection method: clinical testing. Allele origin: germline. Affected: yes.
Comment: This variant is considered likely benign or benign based on one or more of the following criteria: it is a conservative change, it occurs at a poorly conserved position in the protein, it is predicted to be benign by multiple in silico algorithms, and/or has population frequency not consistent with disease.

NM_000465.4(BARD1):c.1314+99_1314+106del

Gene: BARD1 (BRCA1 associated RING domain 1; minus strand). Cytogenetic location: 2q35.
Variant type: Deletion.
Coding change: c.1314+99_1314+106del on transcript NM_000465.4 (MANE Select); bases 99 to 106 of the intron after coding-DNA position 1314, 8 bases deleted (TAACCTTT; older notation c.1314+99_1314+106delTAACCTTT).
Molecular consequence: intron variant.
Genome position (GRCh38, 1-based): chr2:214,780,454-214,780,461, AAAGGTTA deleted on the plus strand (TAACCTTT on the coding strand, the reverse complement: BARD1 is on the minus strand); deleting any 8 consecutive bases within chr2:214,780,454-214,780,462 gives the same sequence; the c. name uses the placement nearest the transcript's 3' end. VCF-style (leftmost placement, unchanged base first): chr2-214780453-GAAAGGTTA-G. GRCh37 (hg19) VCF-style: chr2-215645177-GAAAGGTTA-G.
Other names: c.159-27906_159-27899del (NM_001282548.2); c.1257+99_1257+106del (NM_001282543.2); c.215+16600_215+16607del (NM_001282545.2); c.364+11836_364+11843del (NM_001282549.2).
Identifiers: ClinVar variation 676542 (VCV000676542.1), dbSNP rs141351703, ClinGen allele CA64787695.
Genomic context (GRCh38, chr2:214,780,453, plus strand): 5'-AGTAGAGATGCTCTCCCTATGAATCTGGCTTCTCTGGTTCAGAGGAAGTATCATGTCTGT[GAAAGGTTA>G]ATTATCCTAGTAATCCTATGCCATTTTTCAAAAACTGCAAAGAAATTGCTTTATAGTTGG-3'